The following is an entry in ClinVar:

NM_003632.3(CNTNAP1):c.2152_2154del (p.Gly718del)

Gene: CNTNAP1 (contactin associated protein 1; plus strand). Cytogenetic location: 17q21.2.
Variant type: Deletion.
Coding change: c.2152_2154del on transcript NM_003632.3 (MANE Select); coding-DNA positions 2152 to 2154, 3 bases deleted (GGT; older notation c.2152_2154delGGT).
Protein change: p.Gly718del; deletes glycine 718.
Molecular consequence: inframe deletion.
Genome position (GRCh38, 1-based): chr17:42,691,229-42,691,231, GGT deleted; deleting any 3 consecutive bases within chr17:42,691,227-42,691,231 gives the same sequence; the c. name uses the placement nearest the transcript's 3' end. VCF-style (leftmost placement, unchanged base first): chr17-42691226-TGTG-T. GRCh37 (hg19) VCF-style: chr17-40843244-TGTG-T.
Other names: short protein forms G718del.
Identifiers: ClinVar variation 2664879 (VCV002664879.1), dbSNP rs2543797597, ClinGen allele CA2695201334.

ClinVar aggregate classification (germline): Uncertain significance (1 of 4 stars; one submission).

Conditions:
Lethal congenital contracture syndrome 7 (LCCS7). Identifiers: MedGen C4225386, MONDO:0014569, OMIM 616286.

Submission:

Neuberg Centre For Genomic Medicine, NCGM
Classification: Uncertain significance for Lethal congenital contracture syndrome 7. Last evaluated: 2023-03-01. Review status: criteria provided, single submitter. Criteria: ACMG Guidelines, 2015. Collection method: clinical testing. Allele origin: germline. Inheritance: Autosomal recessive inheritance. Affected: yes.
Comment: The in-frame deletion c.2152_2154del (p.Gly718del) in the CNTNAP1 gene has not been reported previously as a pathogenic variant nor as a benign variant, to our knowledge. This variant is novel in gnomAD Exomes and 1000 Genomes. This p.Gly718del causes deletion of amino acid Glycine at position 718. For these reasons, this variant has been classified as Uncertain Significance.